The following is an entry in ClinVar:

NM_004006.3(DMD):c.9897_9898del (p.His3299fs)

Gene: DMD (dystrophin; minus strand). Cytogenetic location: Xp21.2.
Variant type: Microsatellite.
Coding change: c.9897_9898del on transcript NM_004006.3 (MANE Select); coding-DNA positions 9897 to 9898, 2 bases deleted (CA; older notation c.9897_9898delCA).
Protein change: p.His3299fs; shifts the reading frame from histidine 3299.
Molecular consequence: frameshift variant.
Genome position (GRCh38, 1-based): chrX:31,182,814-31,182,815, TG deleted on the plus strand (CA on the coding strand, the reverse complement: DMD is on the minus strand); deleting any 2 consecutive bases within chrX:31,182,814-31,182,817 gives the same sequence; the c. name uses the placement nearest the transcript's 3' end. VCF-style (leftmost placement, unchanged base first): chrX-31182813-CTG-C. GRCh37 (hg19) VCF-style: chrX-31200930-CTG-C.
Other names: c.9873_9874del, p.His3291fs (NM_000109.4); c.9885_9886del, p.His3295fs (NM_004009.3); c.9528_9529del, p.His3176fs (NM_004010.3); c.5874_5875del, p.His1958fs (NM_004011.4); c.5865_5866del, p.His1955fs (NM_004012.4); c.2517_2518del, p.His839fs (NM_004013.3, NM_004020.4, NM_004021.3 and 2 more transcripts); c.1710_1711del, p.His570fs (NM_004014.3); c.693_694del, p.His231fs (NM_004015.3, NM_004016.3, NM_004017.3 and 2 more transcripts); short protein forms H1958fs, H839fs, H231fs, H3291fs, H3299fs, H1955fs, H3176fs, H3295fs.
Identifiers: ClinVar variation 949105 (VCV000949105.10), dbSNP rs2041303734, ClinGen allele CA2422339315.
Genomic context (GRCh38, chrX:31,182,813, plus strand): 5'-GGACACTCTTTGCAGATGTTACATTTGGCCTGATGCTTGGCAGTTTCTGCAGCAGCCACT[CTG>C]TGCAGGACGGGCAGCCACACCATGGACTGGGGTTCCAGTCTCATCCAGTCTAGGAAGAGG-3'

ClinVar aggregate classification (germline): Pathogenic (1 of 4 stars; one submission).

Conditions:
Duchenne muscular dystrophy (DMD). Also called: MUSCULAR DYSTROPHY, PSEUDOHYPERTROPHIC PROGRESSIVE, DUCHENNE TYPE; Duchenne Muscular Dystrophy (DMD). Identifiers: Orphanet 98896, MedGen C0013264, MONDO:0010679, OMIM 310200.

Submission:

Labcorp Genetics (formerly Invitae), Labcorp
Classification: Pathogenic for Duchenne muscular dystrophy. Last evaluated: 2022-07-11. Review status: criteria provided, single submitter. Criteria: Invitae Variant Classification Sherloc (09022015). Collection method: clinical testing. Allele origin: germline.
Comment: For these reasons, this variant has been classified as Pathogenic. ClinVar contains an entry for this variant (Variation ID: 949105). This premature translational stop signal has been observed in individual(s) with Duchenne or Becker Muscular Dystrophy (PMID: 19074751). This variant is not present in population databases (gnomAD no frequency). This sequence change creates a premature translational stop signal (p.His3299Glnfs*15) in the DMD gene. It is expected to result in an absent or disrupted protein product. Loss-of-function variants in DMD are known to be pathogenic (PMID: 16770791, 25007885).

Literature cited by the submitters: PubMed 19074751; PubMed 16770791; PubMed 25007885.